The following is an entry in ClinVar:

ClinVar aggregate classification (germline): Pathogenic (1 of 4 stars; one submission).

Submission:

GeneDx
Classification: Pathogenic. Last evaluated: 2025-04-19. Review status: criteria provided, single submitter. Criteria: GeneDx Variant Classification Process June 2021. Collection method: clinical testing. Allele origin: germline. Affected: yes.
Comment: Nonsense variant predicted to result in protein truncation or nonsense mediated decay in a gene for which loss of function is a known mechanism of disease; Not observed at significant frequency in large population cohorts (gnomAD); Has not been previously published as pathogenic or benign to our knowledge

NM_001367721.1(CASK):c.1231G>T (p.Glu411Ter)

Gene: CASK (calcium/calmodulin dependent serine protein kinase; minus strand). Cytogenetic location: Xp11.4.
Variant type: single nucleotide variant.
Coding change: c.1231G>T on transcript NM_001367721.1 (MANE Select); coding-DNA position 1231, G replaced by T.
Protein change: p.Glu411Ter; replaces glutamic acid 411 with a stop codon.
Molecular consequence: nonsense.
Genome position (GRCh38, 1-based): chrX:41,589,517, C>A on the plus strand (G>T on the coding strand, the complement: CASK is on the minus strand). VCF-style: chrX-41589517-C-A. GRCh37 (hg19) VCF-style: chrX-41448770-C-A.
Other names: c.1231G>T, p.Glu411Ter (NM_001126054.3, NM_003688.4); c.1213G>T, p.Glu405Ter (NM_001126055.3, NM_001410745.1); short protein forms E405*, E411*.
Identifiers: ClinVar variation 4282385 (VCV004282385.1).